The following continues an entry in ClinVar:

NM_007294.4(BRCA1):c.2309C>A (p.Ser770Ter)

Gene: BRCA1. ClinVar aggregate classification (germline): Pathogenic. Pathogenic (1).

Submissions 11 to 16 of 16:

Consortium of Investigators of Modifiers of BRCA1/2 (CIMBA), c/o University of Cambridge
Classification: Pathogenic for Breast-ovarian cancer, familial, susceptibility to, 1. Last evaluated: 2015-10-02. Review status: criteria provided, single submitter. Criteria: CIMBA Mutation Classification guidelines May 2016. Collection method: clinical testing. Allele origin: germline. Not counted in ClinVar's aggregate classification.

Laboratory for Molecular Medicine, Mass General Brigham Personalized Medicine
Classification: Pathogenic for Hereditary breast ovarian cancer syndrome. Last evaluated: 2015-07-29. Review status: criteria provided, single submitter. Criteria: LMM Criteria. Collection method: clinical testing. Allele origin: germline. Inheritance: Autosomal dominant inheritance. Observed: 8 variant alleles. Not counted in ClinVar's aggregate classification.
Comment: The p.Ser770X variant has been reported in at least 8 individuals with BRCA1-ass ociated cancers (Santarosa 1998, Walsh 2014, Couch 2015, Breast Cancer Informati on Core) and was absent from large population studies. This nonsense variant lea ds to a premature termination codon at position 770, which is predicted to lead to a truncated or absent protein. Heterozygous loss of BRCA1 function is an esta blished disease mechanism in hereditary breast and ovarian cancer (HBOC). In add ition, this variant was classified as Pathogenic on September 8, 2016 by the Cli nGen-approved ENIGMA expert panel (ClinVar SCV000299743.2). In summary, the p.S er770X variant meets criteria to be classified as pathogenic for HBOC in an auto somal dominant manner based upon the predicted impact to the protein, presence i n affected individuals, and absence from controls.

BRCAlab, Lund University
Classification: Pathogenic for Breast-ovarian cancer, familial, susceptibility to, 1. Last evaluated: 2020-03-02. Review status: no assertion criteria provided. Collection method: clinical testing. Allele origin: germline. Affected: yes. Not counted in ClinVar's aggregate classification.

Counsyl
Classification: Pathogenic for Breast-ovarian cancer, familial, susceptibility to, 1. Last evaluated: 2017-01-03. Review status: no assertion criteria provided. Collection method: clinical testing. Allele origin: unknown. Not counted in ClinVar's aggregate classification.

Sharing Clinical Reports Project (SCRP)
Classification: Pathogenic for Breast-ovarian cancer, familial 1. Last evaluated: 2011-08-18. Review status: no assertion criteria provided. Collection method: clinical testing. Allele origin: germline. Not counted in ClinVar's aggregate classification.

Breast Cancer Information Core (BIC) (BRCA1)
Classification: Pathogenic for Breast-ovarian cancer, familial 1. Last evaluated: 2002-05-29. Review status: no assertion criteria provided. Collection method: clinical testing. Allele origin: germline. Affected: yes. Observed: 8 variant alleles. Not counted in ClinVar's aggregate classification.

Literature cited by the submitters: PubMed 20104584 (cited by Labcorp Genetics (formerly Invitae), Labcorp); PubMed 9808526 (cited by 5 submitters); PubMed 10866029 (cited by 3 submitters); PubMed 10923033 (cited by Labcorp Genetics (formerly Invitae), Labcorp); PubMed 22006311 (cited by 5 submitters); PubMed 25452441 (cited by 4 submitters); PubMed 19941162 (cited by Quest Diagnostics Nichols Institute San Juan Capistrano); PubMed 15340362 (cited by Quest Diagnostics Nichols Institute San Juan Capistrano); PubMed 27553368 (cited by Quest Diagnostics Nichols Institute San Juan Capistrano); PubMed 19818148 (cited by Quest Diagnostics Nichols Institute San Juan Capistrano and Color Diagnostics, LLC DBA Color Health); PubMed 29446198 (cited by Quest Diagnostics Nichols Institute San Juan Capistrano and Women's Health and Genetics/Laboratory Corporation of America, LabCorp); PubMed 26295337 (cited by Quest Diagnostics Nichols Institute San Juan Capistrano); PubMed 25525159 (cited by Ambry Genetics); PubMed 16267036 (cited by Counsyl).